The following is an entry in ClinVar:

NM_177438.3(DICER1):c.3760G>A (p.Gly1254Arg)

Gene: DICER1 (dicer 1, ribonuclease III; minus strand). Cytogenetic location: 14q32.13.
Variant type: single nucleotide variant.
Coding change: c.3760G>A on transcript NM_177438.3 (MANE Select); coding-DNA position 3760, G replaced by A.
Protein change: p.Gly1254Arg; replaces glycine 1254 with arginine.
Molecular consequence: missense variant. On other transcripts: non-coding transcript variant (6).
Genome position (GRCh38, 1-based): chr14:95,103,636, C>T on the plus strand (G>A on the coding strand, the complement: DICER1 is on the minus strand). VCF-style: chr14-95103636-C-T. GRCh37 (hg19) VCF-style: chr14-95569973-C-T.
Other names: c.3760G>A, p.Gly1254Arg (NM_001195573.1, NM_001271282.3, NM_001291628.2 and 12 more transcripts); c.3478G>A, p.Gly1160Arg (NM_001395686.1); c.3355G>A, p.Gly1119Arg (NM_001395687.1, NM_001395688.1, NM_001395689.1 and 2 more transcripts); c.3193G>A, p.Gly1065Arg (NM_001395691.1); c.2077G>A, p.Gly693Arg (NM_001395697.1); short protein forms G1065R, G1119R, G1160R, G1254R, G693R.
Identifiers: ClinVar variation 4869772 (VCV004869772.1).

ClinVar aggregate classification (germline): Uncertain significance (1 of 4 stars; one submission).

Conditions:
Hereditary cancer-predisposing syndrome. Also called: Neoplastic Syndromes, Hereditary; Tumor predisposition; Hereditary Cancer Syndrome; Hereditary neoplastic syndrome. Identifiers: Orphanet 140162, MedGen C0027672, MeSH D009386, MONDO:0015356.

Submission:

Ambry Genetics
Classification: Uncertain significance for Hereditary cancer-predisposing syndrome. Last evaluated: 2026-04-28. Review status: criteria provided, single submitter. Criteria: Ambry Variant Classification Scheme 2023. Collection method: clinical testing. Allele origin: germline.
Comment: The p.G1254R variant (also known as c.3760G>A), located in coding exon 20 of the DICER1 gene, results from a G to A substitution at nucleotide position 3760. The glycine at codon 1254 is replaced by arginine, an amino acid with dissimilar properties. This amino acid position is conserved. In addition, the in silico prediction for this alteration is inconclusive. Based on the available evidence, the clinical significance of this variant remains unclear.